The following is an entry in ClinVar:

ClinVar aggregate classification (germline): Likely pathogenic (0 of 4 stars; one submission).

Conditions:
Neuroendocrine neoplasm. Identifiers: Orphanet 877, MedGen C0206754, MONDO:0019496, HP:0100634, MeSH D018358.

Submission:

James Howe Lab, University of Iowa Hospital and Clinics
Classification: Likely pathogenic for Neuroendocrine neoplasm. Last evaluated: 2014-09-05. Review status: no assertion criteria provided. Collection method: research. Allele origin: somatic. Affected: yes. Observed: 1 variant allele.
Comment: Analysis of CDKN1B mutations in 86 patients with small bowel neuroendocrine tumors and 68 patients with pancreas neuroendocrine tumors.

NM_004064.5(CDKN1B):c.127delinsTAA (p.Arg43Ter)

Gene: CDKN1B (cyclin dependent kinase inhibitor 1B; plus strand). Cytogenetic location: 12p13.1.
Variant type: Indel.
Coding change: c.127delinsTAA on transcript NM_004064.5 (MANE Select); coding-DNA position 127, C replaced by TAA.
Protein change: p.Arg43Ter; replaces arginine 43 with a stop codon.
Molecular consequence: nonsense.
Genome position (GRCh38, 1-based): chr12:12,717,966, C replaced by TAA. VCF-style: chr12-12717966-C-TAA. GRCh37 (hg19) VCF-style: chr12-12870900-C-TAA.
Other names: c.127delCinsTAA (NM_004064.4); short protein forms R43*.
Identifiers: ClinVar variation 157518 (VCV000157518.1), dbSNP rs797044481, ClinGen allele CA212533.